The following is an entry in ClinVar:

NM_001374736.1(DST):c.14475T>A (p.Ile4825=)

Gene: DST (dystonin; minus strand). Cytogenetic location: 6p12.1.
Variant type: single nucleotide variant.
Coding change: c.14475T>A on transcript NM_001374736.1 (MANE Select); coding-DNA position 14475, T replaced by A.
Protein change: p.Ile4825=; no amino-acid change (isoleucine 4825 retained).
Molecular consequence: synonymous variant.
Genome position (GRCh38, 1-based): chr6:56,557,484, A>T on the plus strand (T>A on the coding strand, the complement: DST is on the minus strand). VCF-style: chr6-56557484-A-T. GRCh37 (hg19) VCF-style: chr6-56422282-A-T.
Other names: c.8118T>A, p.Ile2706= (NM_001144769.5); c.7704T>A, p.Ile2568= (NM_001144770.2); c.14475T>A, p.Ile4825= (NM_001374722.1); c.13842T>A, p.Ile4614= (NM_001374729.1); c.7584T>A, p.Ile2528= (NM_001374730.1, NM_001386100.1, NM_183380.4); c.14502T>A, p.Ile4834= (NM_001374734.1); c.6606T>A, p.Ile2202= (NM_015548.5).
Identifiers: ClinVar variation 2928249 (VCV002928249.3), dbSNP rs2535429665, ClinGen allele CA450487706.
Genomic context (GRCh38, chr6:56,557,484, plus strand): 5'-CTCTACAGTCTGGAACTGGGTTAGATTATTGGAGGATTCTTCCAGTTTTTGTTGTCTATC[A>T]ATTGTTAATTGATTGAGTTCTTGCCACTTAGAATCTAAAAGAAAAAAAATGAAACTGGTG-3'
Protein context (NP_001361665.1, residues 4815-4835): SKWQELNQLT[Ile4825=]DRQQKLEESS

ClinVar aggregate classification (germline): Uncertain significance (1 of 4 stars; one submission).

Conditions:
Hereditary sensory and autonomic neuropathy type 6. Also called: HSAN VI; Neuropathy, hereditary sensory and autonomic, type VI. Identifiers: Orphanet 314381, MedGen C3539003, MONDO:0013839, OMIM 614653.
Epidermolysis bullosa simplex 3, localized or generalized intermediate, with BP230 deficiency (EBS3). Also called: Epidermolysis bullosa simplex, autosomal recessive 2; Epidermolysis bullosa simplex due to BP230 deficiency. Identifiers: Orphanet 412181, MedGen C3809470, MONDO:0014180, OMIM 615425.

Allele frequency attached by ClinVar (database versions not stated): gnomAD exomes below 0.00001.
gnomAD v4.1: 5 of 1,613,370 alleles (0.00031%); highest among the groups gnomAD compares: Non-Finnish European, 0.00034%; no homozygotes.

Submission:

Labcorp Genetics (formerly Invitae), Labcorp
Classification: Uncertain significance for Epidermolysis bullosa simplex 3, localized or generalized intermediate, with BP230 deficiency; Hereditary sensory and autonomic neuropathy type 6. Last evaluated: 2022-12-17. Review status: criteria provided, single submitter. Criteria: Invitae Variant Classification Sherloc (09022015). Collection method: clinical testing. Allele origin: germline.
Comment: In summary, the available evidence is currently insufficient to determine the role of this variant in disease. Therefore, it has been classified as a Variant of Uncertain Significance. Experimental studies and prediction algorithms are not available or were not evaluated, and the functional significance of this variant is currently unknown. This variant has not been reported in the literature in individuals affected with DST-related conditions. This variant is not present in population databases (gnomAD no frequency). This sequence change affects codon 2202 of the DST mRNA. It is a 'silent' change, meaning that it does not change the encoded amino acid sequence of the DST protein. The DST gene has multiple clinically relevant transcripts. This variant occurs in alternate transcript NM_015548.4, and corresponds to NM_001723.5:c.*58033T>A in the primary transcript.